The following is an entry in ClinVar:

ClinVar aggregate classification (germline): Uncertain significance (1 of 4 stars; one submission).

Submission:

Labcorp Genetics (formerly Invitae), Labcorp
Classification: Uncertain significance. Last evaluated: 2024-10-07. Review status: criteria provided, single submitter. Criteria: Invitae Variant Classification Sherloc (09022015). Collection method: clinical testing. Allele origin: germline.
Comment: This sequence change replaces alanine, which is neutral and non-polar, with threonine, which is neutral and polar, at codon 383 of the CENPJ protein (p.Ala383Thr). This variant is not present in population databases (gnomAD no frequency). This variant has not been reported in the literature in individuals affected with CENPJ-related conditions. ClinVar contains an entry for this variant (Variation ID: 1416738). Invitae Evidence Modeling of protein sequence and biophysical properties (such as structural, functional, and spatial information, amino acid conservation, physicochemical variation, residue mobility, and thermodynamic stability) has been performed for this missense variant. However, the output from this modeling did not meet the statistical confidence thresholds required to predict the impact of this variant on CENPJ protein function. In summary, the available evidence is currently insufficient to determine the role of this variant in disease. Therefore, it has been classified as a Variant of Uncertain Significance.

NM_018451.5(CPAP):c.1147G>A (p.Ala383Thr)

Gene: CPAP (centrosome assembly and centriole elongation protein; minus strand). Cytogenetic location: 13q12.13.
Variant type: single nucleotide variant.
Coding change: c.1147G>A on transcript NM_018451.5 (MANE Select); coding-DNA position 1147, G replaced by A.
Protein change: p.Ala383Thr; replaces alanine 383 with threonine.
Molecular consequence: missense variant. On other transcripts: non-coding transcript variant (2).
Genome position (GRCh38, 1-based): chr13:24,906,891, C>T on the plus strand (G>A on the coding strand, the complement: CPAP is on the minus strand). VCF-style: chr13-24906891-C-T. GRCh37 (hg19) VCF-style: chr13-25481029-C-T.
Other names: short protein forms A383T.
Identifiers: ClinVar variation 1416738 (VCV001416738.6), dbSNP rs2138634737, ClinGen allele CA387588847.